The following is an entry in ClinVar:

ClinVar aggregate classification (germline): Uncertain significance. Review status: criteria provided, multiple submitters, no conflicts (2 of 4 stars). 2 submissions from 2 submitters: Uncertain significance (2). Last evaluated 2024-05-31.

Conditions:
Familial adenomatous polyposis 1 (FAP1). Also called: FAMILIAL ADENOMATOUS POLYPOSIS 1, ATTENUATED; POLYPOSIS, ADENOMATOUS INTESTINAL. Identifiers: MedGen C2713442, MONDO:0021056, OMIM 175100. Disease mechanism: loss of function.
Hereditary cancer-predisposing syndrome. Also called: Tumor predisposition; Hereditary neoplastic syndrome; Neoplastic Syndromes, Hereditary; Hereditary Cancer Syndrome. Identifiers: Orphanet 140162, MedGen C0027672, MeSH D009386, MONDO:0015356.

Submissions (2):

Labcorp Genetics (formerly Invitae), Labcorp
Classification: Uncertain significance for Familial adenomatous polyposis 1. Last evaluated: 2024-05-31. Review status: criteria provided, single submitter. Criteria: Invitae Variant Classification Sherloc (09022015). Collection method: clinical testing. Allele origin: germline.
Comment: This sequence change replaces aspartic acid, which is acidic and polar, with asparagine, which is neutral and polar, at codon 2133 of the APC protein (p.Asp2133Asn). This variant is not present in population databases (gnomAD no frequency). This variant has not been reported in the literature in individuals affected with APC-related conditions. ClinVar contains an entry for this variant (Variation ID: 1008887). Advanced modeling of protein sequence and biophysical properties (such as structural, functional, and spatial information, amino acid conservation, physicochemical variation, residue mobility, and thermodynamic stability) performed at Invitae indicates that this missense variant is not expected to disrupt APC protein function with a negative predictive value of 95%. In summary, the available evidence is currently insufficient to determine the role of this variant in disease. Therefore, it has been classified as a Variant of Uncertain Significance.

Ambry Genetics
Classification: Uncertain significance for Hereditary cancer-predisposing syndrome. Last evaluated: 2019-11-19. Review status: criteria provided, single submitter. Criteria: Ambry Variant Classification Scheme 2023. Collection method: clinical testing. Allele origin: germline.
Comment: The p.D2133N variant (also known as c.6397G>A), located in coding exon 15 of the APC gene, results from a G to A substitution at nucleotide position 6397. The aspartic acid at codon 2133 is replaced by asparagine, an amino acid with highly similar properties. This nucleotide position is highly conserved in available vertebrate species. In addition, in silico predictors for this gene do not accurately predict pathogenicity. Since supporting evidence is limited at this time, the clinical significance of this alteration remains unclear.

NM_000038.6(APC):c.6397G>A (p.Asp2133Asn)

Gene: APC (APC regulator of Wnt signaling pathway; plus strand). Cytogenetic location: 5q22.2.
Variant type: single nucleotide variant.
Coding change: c.6397G>A on transcript NM_000038.6 (MANE Select); coding-DNA position 6397, G replaced by A.
Protein change: p.Asp2133Asn; replaces aspartic acid 2133 with asparagine.
Molecular consequence: missense variant.
Genome position (GRCh38, 1-based): chr5:112,841,991, G>A. VCF-style: chr5-112841991-G-A. GRCh37 (hg19) VCF-style: chr5-112177688-G-A.
Other names: c.6397G>A, p.Asp2133Asn (NM_001127510.3, NM_001354895.2); c.6343G>A, p.Asp2115Asn (NM_001127511.3); c.6451G>A, p.Asp2151Asn (NM_001354896.2); c.6427G>A, p.Asp2143Asn (NM_001354897.2); c.6322G>A, p.Asp2108Asn (NM_001354898.2); c.6313G>A, p.Asp2105Asn (NM_001354899.2); c.6274G>A, p.Asp2092Asn (NM_001354900.2); c.6220G>A, p.Asp2074Asn (NM_001354901.2); and 5 more; short protein forms D1850N, D1973N, D2007N, D2032N, D2042N, D2074N, D2092N, D2105N.
Identifiers: ClinVar variation 1008887 (VCV001008887.12), dbSNP rs1766204851, ClinGen allele CA16035336.